The following is an entry in ClinVar:

NM_000256.3(MYBPC3):c.1162dup (p.Ala388fs)

Gene: MYBPC3 (myosin binding protein C3; minus strand). Cytogenetic location: 11p11.2.
Variant type: Duplication.
Coding change: c.1162dup on transcript NM_000256.3 (MANE Select); coding-DNA position 1162, one base duplicated (G; older notation c.1162dupG).
Protein change: p.Ala388fs; shifts the reading frame from alanine 388.
Molecular consequence: frameshift variant.
Genome position (GRCh38, 1-based): chr11:47,343,553, C duplicated on the plus strand (G on the coding strand, the reverse complement: MYBPC3 is on the minus strand); the first of 2 consecutive C bases (chr11:47,343,553-47,343,554); duplicating either gives the same sequence. VCF-style (leftmost placement, unchanged base first): chr11-47343552-G-GC. GRCh37 (hg19) VCF-style: chr11-47365103-G-GC.
Other names: c.1162dup, p.Ala388fs (LRG_386t1); c.1162dupG (NM_000256.3); short protein forms A388fs.
Identifiers: ClinVar variation 181160 (VCV000181160.13), dbSNP rs730880724, ClinGen allele CA296500.

ClinVar aggregate classification (germline): Pathogenic/Likely pathogenic. Review status: criteria provided, multiple submitters, no conflicts (2 of 4 stars). 3 submissions from 3 submitters: Pathogenic (2); Likely pathogenic (1). Last evaluated 2026-09-19.

Conditions:
Cardiovascular phenotype. Identifiers: MedGen CN230736.
Hypertrophic cardiomyopathy. Also called: HYPERTROPHIC MYOCARDIOPATHY. Identifiers: Orphanet 217569, MedGen C0007194, MeSH D002312, MONDO:0005045, HP:0001639.

Submissions (3):

GeneDx
Classification: Likely pathogenic. Last evaluated: 2026-09-19. Review status: criteria provided, single submitter. Criteria: GeneDx Variant Classification Process June 2021. Collection method: clinical testing. Allele origin: germline.
Comment: Frameshift variant predicted to result in protein truncation or nonsense mediated decay in a gene for which loss of function is a known mechanism of disease; Not observed at significant frequency in large population cohorts (gnomAD); Has not been previously published as pathogenic or benign to our knowledge

Labcorp Genetics (formerly Invitae), Labcorp
Classification: Pathogenic for Hypertrophic cardiomyopathy. Last evaluated: 2025-11-08. Review status: criteria provided, single submitter. Criteria: Invitae Variant Classification Sherloc (09022015). Collection method: clinical testing. Allele origin: germline.
Comment: This sequence change creates a premature translational stop signal (p.Ala388Glyfs*2) in the MYBPC3 gene. It is expected to result in an absent or disrupted protein product. Loss-of-function variants in MYBPC3 are known to be pathogenic (PMID: 19574547). This variant is not present in population databases (gnomAD no frequency). This variant has not been reported in the literature in individuals affected with MYBPC3-related conditions. ClinVar contains an entry for this variant (Variation ID: 181160). Algorithms developed to predict the effect of sequence changes on RNA splicing suggest that this variant may disrupt the consensus splice site. For these reasons, this variant has been classified as Pathogenic.

Ambry Genetics
Classification: Pathogenic for Cardiovascular phenotype. Last evaluated: 2025-09-04. Review status: criteria provided, single submitter. Criteria: Ambry Variant Classification Scheme 2023. Collection method: clinical testing. Allele origin: germline.
Comment: The c.1162dupG pathogenic mutation, located in coding exon 13 of the MYBPC3 gene, results from a duplication of G at nucleotide position 1162, causing a translational frameshift with a predicted alternate stop codon (p.A388Gfs*2). This variant is considered to be rare based on population cohorts in the Genome Aggregation Database (gnomAD). This alteration is expected to result in loss of function by premature protein truncation or nonsense-mediated mRNA decay. As such, this alteration is interpreted as a disease-causing mutation.

Literature cited by the submitters: PubMed 19574547 (cited by Labcorp Genetics (formerly Invitae), Labcorp).